The following is an entry in ClinVar:

ClinVar aggregate classification (germline): Uncertain significance. Review status: criteria provided, multiple submitters, no conflicts (2 of 4 stars). 2 submissions from 2 submitters: Uncertain significance (2). Last evaluated 2026-01-18.

Conditions:
CHARGE syndrome (CHARGE). Also called: Hittner Hirsch Kreh syndrome; CHARGE ASSOCIATION--COLOBOMA, HEART ANOMALY, CHOANAL ATRESIA, RETARDATION, GENITAL AND EAR ANOMALIES; Coloboma, heart anomaly, choanal atresia, retardation, genital and ear anomalies; CHARGE association; Hall-Hittner syndrome. Identifiers: Orphanet 138, MedGen C0265354, MONDO:0008965.
Inborn genetic diseases. Identifiers: MedGen C0950123, MeSH D030342.

Allele frequency attached by ClinVar (database versions not stated): gnomAD 0.00001.
gnomAD v4.1: 6 of 1,612,670 alleles (0.00037%); highest among the groups gnomAD compares: Non-Finnish European, 0.00051%; no homozygotes.

Submissions (2):

Labcorp Genetics (formerly Invitae), Labcorp
Classification: Uncertain significance for CHARGE syndrome. Last evaluated: 2026-01-18. Review status: criteria provided, single submitter. Criteria: Invitae Variant Classification Sherloc (09022015). Collection method: clinical testing. Allele origin: germline.
Comment: This sequence change replaces leucine, which is neutral and non-polar, with phenylalanine, which is neutral and non-polar, at codon 24 of the CHD7 protein (p.Leu24Phe). This variant is not present in population databases (gnomAD no frequency). This variant has not been reported in the literature in individuals affected with CHD7-related conditions. ClinVar contains an entry for this variant (Variation ID: 1896433). Invitae Evidence Modeling of protein sequence and biophysical properties (such as structural, functional, and spatial information, amino acid conservation, physicochemical variation, residue mobility, and thermodynamic stability) has been performed for this missense variant. However, the output from this modeling did not meet the statistical confidence thresholds required to predict the impact of this variant on CHD7 protein function. In summary, the available evidence is currently insufficient to determine the role of this variant in disease. Therefore, it has been classified as a Variant of Uncertain Significance.

Ambry Genetics
Classification: Uncertain significance for Inborn genetic diseases. Last evaluated: 2025-04-04. Review status: criteria provided, single submitter. Criteria: Ambry Variant Classification Scheme 2023. Collection method: clinical testing. Allele origin: germline.

NM_017780.4(CHD7):c.70C>T (p.Leu24Phe)

Gene: CHD7 (chromodomain helicase DNA binding protein 7; plus strand). Cytogenetic location: 8q12.2.
Variant type: single nucleotide variant.
Coding change: c.70C>T on transcript NM_017780.4 (MANE Select); coding-DNA position 70, C replaced by T.
Protein change: p.Leu24Phe; replaces leucine 24 with phenylalanine.
Molecular consequence: missense variant.
Genome position (GRCh38, 1-based): chr8:60,741,502, C>T. VCF-style: chr8-60741502-C-T. GRCh37 (hg19) VCF-style: chr8-61654061-C-T.
Other names: c.70C>T, p.Leu24Phe (NM_001316690.1); c.70C>T (NM_017780.3); short protein forms L24F.
Identifiers: ClinVar variation 1896433 (VCV001896433.6), dbSNP rs1406914349, ClinGen allele CA371295378.